The following is an entry in ClinVar:

NM_001267550.2(TTN):c.105416C>T (p.Thr35139Ile)

Genes: TTN (titin; minus strand), TTN-AS1 (TTN antisense RNA 1; plus strand). Cytogenetic location: 2q31.2.
Variant type: single nucleotide variant.
Coding change: c.105416C>T on transcript NM_001267550.2 (MANE Select); coding-DNA position 105416, C replaced by T.
Protein change: p.Thr35139Ile; replaces threonine 35139 with isoleucine.
Molecular consequence: missense variant.
Genome position (GRCh38, 1-based): chr2:178,531,199, G>A on the plus strand (C>T on the coding strand, the complement: TTN is on the minus strand). VCF-style: chr2-178531199-G-A. GRCh37 (hg19) VCF-style: chr2-179395926-G-A.
Other names: c.97712C>T, p.Thr32571Ile (NM_133378.4); c.100493C>T, p.Thr33498Ile (NM_001256850.1); c.78221C>T, p.Thr26074Ile (NM_003319.4); c.78596C>T, p.Thr26199Ile (NM_133432.3); c.78797C>T, p.Thr26266Ile (NM_133437.4); short protein forms T35139I, T32571I, T26074I, T33498I, T26199I, T26266I.
Identifiers: ClinVar variation 47690 (VCV000047690.19), dbSNP rs200782068, ClinGen allele CA141726.

ClinVar aggregate classification (germline): Conflicting classifications of pathogenicity. Review status: criteria provided, conflicting classifications (1 of 4 stars). 12 submissions from 8 submitters: Uncertain significance (10); Likely benign (2). Last evaluated 2024-10-25.

Conditions:
Cardiovascular phenotype. Identifiers: MedGen CN230736.
Autosomal recessive limb-girdle muscular dystrophy type 2J (LGMDR10). Also called: Limb-girdle muscular dystrophy, type 2J; MUSCULAR DYSTROPHY, LIMB-GIRDLE, AUTOSOMAL RECESSIVE 10. Identifiers: Orphanet 140922, MedGen C1837342, MONDO:0012127, OMIM 608807.
Early-onset myopathy with fatal cardiomyopathy (CMYO5). Also called: Salih Myopathy; CONGENITAL MYOPATHY 5 WITH CARDIOMYOPATHY. Identifiers: Orphanet 289377, MedGen C2673677, MONDO:0012714, OMIM 611705. Disease mechanism: loss of function.
Dilated cardiomyopathy 1G (CMD1G). Identifiers: Orphanet 154, MedGen C1858763, MONDO:0011400, OMIM 604145.
Tibial muscular dystrophy (TMD). Also called: Udd Distal Myopathy – Tibial Muscular Dystrophy; UDD MYOPATHY; Tibial muscular dystrophy, tardive. Identifiers: Orphanet 609, MedGen C1838244, MONDO:0010870, OMIM 600334.
Myopathy, myofibrillar, 9, with early respiratory failure (MFM9). Also called: EDSTROM MYOPATHY; MYOPATHY, PROXIMAL, WITH EARLY RESPIRATORY MUSCLE INVOLVEMENT; Hereditary myopathy with early respiratory failure; Myopathy, distal, with early respiratory failure, autosomal dominant. Identifiers: Orphanet 178464, Orphanet 34521, MedGen C1863599, MONDO:0011362, OMIM 603689.
Hypertrophic cardiomyopathy 9. Also called: Familial hypertrophic cardiomyopathy 9. Identifiers: MedGen C1861065, MONDO:0013412, OMIM 613765.

Allele frequency attached by ClinVar (database versions not stated): gnomAD exomes 0.00004; ExAC 0.00005; TOPMed 0.00006; gnomAD 0.00008; ESP Exome Variant Server 0.00016.
gnomAD v4.1: 74 of 1,613,870 alleles (0.0046%); highest among the groups gnomAD compares: Middle Eastern, 0.12%; no homozygotes.

Submissions (12):

Blueprint Genetics
Classification: Likely benign. Last evaluated: 2024-10-25. Review status: criteria provided, single submitter. Criteria: ACMG Guidelines, 2015. Collection method: clinical testing. Allele origin: germline.

Revvity Omics, Revvity
Classification: Uncertain significance. Last evaluated: 2024-03-18. Review status: criteria provided, single submitter. Criteria: ACMG Guidelines, 2015. Collection method: clinical testing. Allele origin: germline.

Fulgent Genetics
Classification: Uncertain significance for Tibial muscular dystrophy; Myopathy, myofibrillar, 9, with early respiratory failure; Dilated cardiomyopathy 1G; Autosomal recessive limb-girdle muscular dystrophy type 2J; Early-onset myopathy with fatal cardiomyopathy; Hypertrophic cardiomyopathy 9. Last evaluated: 2021-11-20. Review status: criteria provided, single submitter. Criteria: ACMG Guidelines, 2015. Collection method: clinical testing. Allele origin: unknown.

Ambry Genetics
Classification: Likely benign for Cardiovascular phenotype. Last evaluated: 2020-08-12. Review status: criteria provided, single submitter. Criteria: Ambry Variant Classification Scheme 2023. Collection method: clinical testing. Allele origin: germline.

Illumina Laboratory Services, Illumina
Classification: Uncertain significance for Myopathy, myofibrillar, 9, with early respiratory failure. Last evaluated: 2018-01-13. Review status: criteria provided, single submitter. Criteria: ICSL Variant Classification Criteria 13 December 2019. Collection method: clinical testing. Allele origin: germline.

Illumina Laboratory Services, Illumina
Classification: Uncertain significance for Autosomal recessive limb-girdle muscular dystrophy type 2J. Last evaluated: 2018-01-13. Review status: criteria provided, single submitter. Criteria: ICSL Variant Classification Criteria 13 December 2019. Collection method: clinical testing. Allele origin: germline.

Illumina Laboratory Services, Illumina
Classification: Uncertain significance for Tibial muscular dystrophy. Last evaluated: 2018-01-13. Review status: criteria provided, single submitter. Criteria: ICSL Variant Classification Criteria 13 December 2019. Collection method: clinical testing. Allele origin: germline.

Illumina Laboratory Services, Illumina
Classification: Uncertain significance for Dilated cardiomyopathy 1G. Last evaluated: 2018-01-13. Review status: criteria provided, single submitter. Criteria: ICSL Variant Classification Criteria 13 December 2019. Collection method: clinical testing. Allele origin: germline.

Illumina Laboratory Services, Illumina
Classification: Uncertain significance for Early-onset myopathy with fatal cardiomyopathy. Last evaluated: 2018-01-13. Review status: criteria provided, single submitter. Criteria: ICSL Variant Classification Criteria 13 December 2019. Collection method: clinical testing. Allele origin: germline.

Eurofins Ntd Llc (ga)
Classification: Uncertain significance. Last evaluated: 2014-12-11. Review status: criteria provided, single submitter. Criteria: EGL Classification Definitions 2015. Collection method: clinical testing. Allele origin: germline. Observed: 1 variant allele, 1 heterozygote.

Biesecker Lab/Clinical Genomics Section, National Institutes of Health
Classification: Uncertain significance. Last evaluated: 2013-06-24. Review status: criteria provided, single submitter. Criteria: Ng et al. (Circ Cardiovasc Genet. 2013). Collection method: research. Allele origin: unknown. Observed: 1 variant allele. Study: ClinSeq.
Comment: The study set was not selected for affection status in relation to any cancer. Pathogenicity categories were based on literature curation. See Pubmed ID:23861362 for details.

Medical sequencing

Laboratory for Molecular Medicine, Mass General Brigham Personalized Medicine
Classification: Uncertain significance. Last evaluated: 2013-02-11. Review status: criteria provided, single submitter. Criteria: LMM Criteria. Collection method: clinical testing. Allele origin: germline. Observed: 1 variant allele.
Comment: The Thr32571Ile variant in TTN has not been reported in the literature nor previ ously identified by our laboratory. This variant has been identified in 1/8304 o f European American chromosomes and 1/3962 of African American chromosomes from a broad population by the NHLBI Exome Sequencing Project (dbSNP rs200782068). Computational analyses (biochemical amino acid properties, conservation, PolyPhen2, and SIFT) suggest that the Thr32571Ile vari ant may impact the protein, though this information is not predictive enough to determine pathogenicity. In summary, additional information is needed to fully a ssess the clinical significance of the Thr32571Ile variant.